The following is an entry in ClinVar:

ClinVar aggregate classification (germline): Uncertain significance (1 of 4 stars; one submission).

Conditions:
Immunodeficiency 132A. Also called: Herpes simplex encephalitis, susceptibility to, 3. Identifiers: Orphanet 1930, MedGen C3553868, MONDO:0013920, OMIM 614849.

Allele frequency attached by ClinVar (database versions not stated): gnomAD 0.00001; TOPMed 0.00001.
gnomAD v4.1: 11 of 1,614,124 alleles (0.00068%); highest among the groups gnomAD compares: Non-Finnish European, 0.00085%; no homozygotes.

Submission:

Labcorp Genetics (formerly Invitae), Labcorp
Classification: Uncertain significance for Immunodeficiency 132A. Last evaluated: 2018-02-19. Review status: criteria provided, single submitter. Criteria: Invitae Variant Classification Sherloc (09022015). Collection method: clinical testing. Allele origin: germline.
Comment: In summary, the available evidence is currently insufficient to determine the role of this variant in disease. Therefore, it has been classified as a Variant of Uncertain Significance. Algorithms developed to predict the effect of missense changes on protein structure and function do not agree on the potential impact of this missense change (SIFT: "Tolerated"; PolyPhen-2: "Benign"; Align-GVGD: "Class C0"). This variant has not been reported in the literature in individuals with TRAF3-related disease. This variant is not present in population databases (ExAC no frequency). This sequence change replaces valine with phenylalanine at codon 226 of the TRAF3 protein (p.Val226Phe). The valine residue is moderately conserved and there is a small physicochemical difference between valine and phenylalanine.

NM_145725.3(TRAF3):c.676G>T (p.Val226Phe)

Gene: TRAF3 (TNF receptor associated factor 3; plus strand). Cytogenetic location: 14q32.32.
Variant type: single nucleotide variant.
Coding change: c.676G>T on transcript NM_145725.3 (MANE Select); coding-DNA position 676, G replaced by T.
Protein change: p.Val226Phe; replaces valine 226 with phenylalanine.
Molecular consequence: missense variant. On other transcripts: intron variant (2).
Genome position (GRCh38, 1-based): chr14:102,889,584, G>T. VCF-style: chr14-102889584-G-T. GRCh37 (hg19) VCF-style: chr14-103355921-G-T.
Other names: c.676G>T, p.Val226Phe (NM_001385142.1, NM_003300.4); c.595G>T, p.Val199Phe (NM_001385143.1); c.652-1741G>T (NM_145726.3); c.571-7677G>T (NM_001199427.2); short protein forms V226F, V199F.
Identifiers: ClinVar variation 566532 (VCV000566532.9), dbSNP rs1384888729, ClinGen allele CA391072106.